The following is an entry in ClinVar:

NM_001122764.3(PPOX):c.658T>C (p.Leu220=)

Gene: PPOX (protoporphyrinogen oxidase; plus strand). Cytogenetic location: 1q23.3.
Variant type: single nucleotide variant.
Coding change: c.658T>C on transcript NM_001122764.3 (MANE Select); coding-DNA position 658, T replaced by C.
Protein change: p.Leu220=; no amino-acid change (leucine 220 retained).
Molecular consequence: synonymous variant.
Genome position (GRCh38, 1-based): chr1:161,169,034, T>C. VCF-style: chr1-161169034-T-C. GRCh37 (hg19) VCF-style: chr1-161138824-T-C.
Other names: c.658T>C (NM_000309.3); c.658T>C, p.Leu220= (NM_000309.5, NM_001365398.1, NM_001365399.1); c.559T>C, p.Leu187= (NM_001350128.2); c.250T>C, p.Leu84= (NM_001350129.2, NM_001365400.1); c.172T>C, p.Leu58= (NM_001350130.2, NM_001350131.2, NM_001365401.1).
Identifiers: ClinVar variation 1657892 (VCV001657892.9), dbSNP rs547874675, ClinGen allele CA1207222.

ClinVar aggregate classification (germline): Likely benign. Review status: criteria provided, multiple submitters, no conflicts (2 of 4 stars). 2 submissions from 2 submitters: Likely benign (2). Last evaluated 2025-09-22.

Conditions:
PPOX-related disorder. Also called: PPOX-related condition.

Allele frequency attached by ClinVar (database versions not stated): ExAC 0.00003; gnomAD 0.00004; TOPMed 0.00005; 1000 Genomes Project 30x 0.00016; 1000 Genomes Project 0.00020.

Submissions (2):

PreventionGenetics, part of Exact Sciences
Classification: Likely benign for PPOX-related condition. Last evaluated: 2025-09-22. Review status: criteria provided, single submitter. Criteria: ACMG Guidelines, 2015. Collection method: clinical testing. Allele origin: germline.
Comment: This variant is classified as likely benign based on ACMG/AMP sequence variant interpretation guidelines (Richards et al. 2015 PMID: 25741868, with internal and published modifications).

Labcorp Genetics (formerly Invitae), Labcorp
Classification: Likely benign. Last evaluated: 2023-02-10. Review status: criteria provided, single submitter. Criteria: Invitae Variant Classification Sherloc (09022015). Collection method: clinical testing. Allele origin: germline.